The following is an entry in ClinVar:

NM_006297.3(XRCC1):c.899G>A (p.Arg300Gln)

Gene: XRCC1 (X-ray repair cross complementing 1; minus strand). Cytogenetic location: 19q13.31.
Variant type: single nucleotide variant.
Coding change: c.899G>A on transcript NM_006297.3 (MANE Select); coding-DNA position 899, G replaced by A.
Protein change: p.Arg300Gln; replaces arginine 300 with glutamine.
Molecular consequence: missense variant.
Genome position (GRCh38, 1-based): chr19:43,552,200, C>T on the plus strand (G>A on the coding strand, the complement: XRCC1 is on the minus strand). VCF-style: chr19-43552200-C-T. GRCh37 (hg19) VCF-style: chr19-44056352-C-T.
Other names: short protein forms R300Q.
Identifiers: ClinVar variation 731647 (VCV000731647.6), dbSNP rs200528601, ClinGen allele CA9488628.
Genomic context (GRCh38, chr19:43,552,200, plus strand): 5'-AGGATCTTCCCCAGCTCCTCTGGGCCAGCTCGGGGTCGTCTGGGCTCGGTGCCTTCTCCT[C>T]GGGGTTTGCCTGTCACTGCCCCCTGTGCTCGGGCAGGGACTGGGGCTGTGGCTGGGGTAC-3'
Protein context (NP_006288.2, residues 290-310): RAQGAVTGKP[Arg300Gln]GEGTEPRRPR

ClinVar aggregate classification (germline): Conflicting classifications of pathogenicity. Review status: criteria provided, conflicting classifications (1 of 4 stars). 3 submissions from 3 submitters: Uncertain significance (1); Likely benign (1). 1 of the submissions does not count toward it. Last evaluated 2025-08-06.

Conditions:
XRCC1-related disorder. Also called: XRCC1-related condition.

Allele frequency attached by ClinVar (database versions not stated): gnomAD exomes 0.00012 and 0.00061; gnomAD 0.00042 and 0.00046; ExAC 0.00055; TOPMed 0.00098; 1000 Genomes Project 30x 0.00156; 1000 Genomes Project 0.00200.
gnomAD v4.1: 255 of 1,613,958 alleles (0.016%); highest among the groups gnomAD compares: Admixed American, 0.38%; 2 homozygotes.

Submissions (3):

Ambry Genetics
Classification: Uncertain significance. Last evaluated: 2025-08-06. Review status: criteria provided, single submitter. Criteria: Ambry Variant Classification Scheme 2023. Collection method: clinical testing. Allele origin: germline.

Labcorp Genetics (formerly Invitae), Labcorp
Classification: Likely benign. Last evaluated: 2018-08-29. Review status: criteria provided, single submitter. Criteria: Invitae Variant Classification Sherloc (09022015). Collection method: clinical testing. Allele origin: germline.

PreventionGenetics, part of Exact Sciences
Classification: Likely benign for XRCC1-related condition. Last evaluated: 2022-05-09. Review status: no assertion criteria provided. Collection method: clinical testing. Allele origin: germline. Not counted in ClinVar's aggregate classification.
Comment: This variant is classified as likely benign based on ACMG/AMP sequence variant interpretation guidelines (Richards et al. 2015 PMID: 25741868, with internal and published modifications).